The following is an entry in ClinVar:

ClinVar aggregate classification (germline): Conflicting classifications of pathogenicity. Review status: criteria provided, conflicting classifications (1 of 4 stars). 4 submissions from 4 submitters: Uncertain significance (1); Likely benign (3). Last evaluated 2025-11-13.

Conditions:
RHO-related disorder. Also called: RHO-related condition.

Allele frequency attached by ClinVar (database versions not stated): 1000 Genomes Project 30x 0.00016; 1000 Genomes Project 0.00020; ExAC 0.00004; gnomAD 0.00004; gnomAD exomes 0.00004; TOPMed 0.00004.

Submissions (4):

PreventionGenetics, part of Exact Sciences
Classification: Likely benign for RHO-related condition. Last evaluated: 2025-11-13. Review status: criteria provided, single submitter. Criteria: ACMG Guidelines, 2015. Collection method: clinical testing. Allele origin: germline.
Comment: This variant is classified as likely benign based on ACMG/AMP sequence variant interpretation guidelines (Richards et al. 2015 PMID: 25741868, with internal and published modifications).

Labcorp Genetics (formerly Invitae), Labcorp
Classification: Likely benign. Last evaluated: 2024-10-22. Review status: criteria provided, single submitter. Criteria: Invitae Variant Classification Sherloc (09022015). Collection method: clinical testing. Allele origin: germline.

Blueprint Genetics
Classification: Likely benign. Last evaluated: 2023-06-20. Review status: criteria provided, single submitter. Criteria: ACMG Guidelines, 2015. Collection method: clinical testing. Allele origin: germline.

Eurofins Ntd Llc (ga)
Classification: Uncertain significance. Last evaluated: 2016-04-14. Review status: criteria provided, single submitter. Criteria: EGL Classification Definitions 2015. Collection method: clinical testing. Allele origin: germline. Observed: 1 variant allele, 1 heterozygote.

NM_000539.3(RHO):c.362-10T>C

Gene: RHO (rhodopsin; plus strand). Cytogenetic location: 3q22.1.
Variant type: single nucleotide variant.
Coding change: c.362-10T>C on transcript NM_000539.3 (MANE Select); 10 bases into the intron before coding-DNA position 362, T replaced by C.
Molecular consequence: intron variant.
Genome position (GRCh38, 1-based): chr3:129,530,866, T>C. VCF-style: chr3-129530866-T-C. GRCh37 (hg19) VCF-style: chr3-129249709-T-C.
Identifiers: ClinVar variation 287053 (VCV000287053.16), dbSNP rs568571580, ClinGen allele CA2607141.